The following is an entry in ClinVar:

ClinVar aggregate classification (germline): Uncertain significance. Review status: criteria provided, multiple submitters, no conflicts (2 of 4 stars). 2 submissions from 2 submitters: Uncertain significance (2). Last evaluated 2025-08-13.

Conditions:
KMT2C-related disorder. Also called: KMT2C-related disorders; KMT2C-related condition.
Inborn genetic diseases. Identifiers: MedGen C0950123, MeSH D030342.

Allele frequency attached by ClinVar (database versions not stated): gnomAD exomes below 0.00001; gnomAD 0.00001; TOPMed 0.00001.
gnomAD v4.1: 9 of 1,614,000 alleles (0.00056%); highest among the groups gnomAD compares: Non-Finnish European, 0.00076%; no homozygotes.

Submissions (2):

Ambry Genetics
Classification: Uncertain significance for Inborn genetic diseases. Last evaluated: 2025-08-13. Review status: criteria provided, single submitter. Criteria: Ambry Variant Classification Scheme 2023. Collection method: clinical testing. Allele origin: germline.

PreventionGenetics, part of Exact Sciences
Classification: Uncertain significance for KMT2C-related condition. Last evaluated: 2023-03-23. Review status: criteria provided, single submitter. Criteria: ACMG Guidelines, 2015. Collection method: clinical testing. Allele origin: germline.
Comment: The KMT2C c.8686G>A variant is predicted to result in the amino acid substitution p.Ala2896Thr. To our knowledge, this variant has not been reported in the literature. This variant is reported in 0.00088% of alleles in individuals of European (Non-Finnish) descent in gnomAD. At this time, the clinical significance of this variant is uncertain due to the absence of conclusive functional and genetic evidence.

NM_170606.3(KMT2C):c.8686G>A (p.Ala2896Thr)

Gene: KMT2C (lysine methyltransferase 2C; minus strand). Cytogenetic location: 7q36.1.
Variant type: single nucleotide variant.
Coding change: c.8686G>A on transcript NM_170606.3 (MANE Select); coding-DNA position 8686, G replaced by A.
Protein change: p.Ala2896Thr; replaces alanine 2896 with threonine.
Molecular consequence: missense variant.
Genome position (GRCh38, 1-based): chr7:152,176,767, C>T on the plus strand (G>A on the coding strand, the complement: KMT2C is on the minus strand). VCF-style: chr7-152176767-C-T. GRCh37 (hg19) VCF-style: chr7-151873852-C-T.
Other names: short protein forms A2896T.
Identifiers: ClinVar variation 2271979 (VCV002271979.4), dbSNP rs758355940, ClinGen allele CA169205306.